The following is an entry in ClinVar:

NM_004168.4(SDHA):c.470G>T (p.Gly157Val)

Gene: SDHA (succinate dehydrogenase complex flavoprotein subunit A; plus strand). Cytogenetic location: 5p15.33.
Variant type: single nucleotide variant.
Coding change: c.470G>T on transcript NM_004168.4 (MANE Select); coding-DNA position 470, G replaced by T.
Protein change: p.Gly157Val; replaces glycine 157 with valine.
Molecular consequence: missense variant.
Genome position (GRCh38, 1-based): chr5:225,896, G>T. VCF-style: chr5-225896-G-T. GRCh37 (hg19) VCF-style: chr5-226011-G-T.
Other names: c.326G>T, p.Gly109Val (NM_001294332.2); c.470G>T, p.Gly157Val (NM_001330758.2); short protein forms G109V, G157V.
Identifiers: ClinVar variation 2942409 (VCV002942409.3), dbSNP rs2126549304, ClinGen allele CA359009864.

ClinVar aggregate classification (germline): Uncertain significance (1 of 4 stars; one submission).

Conditions:
Mitochondrial complex II deficiency, nuclear type 1. Also called: SUCCINATE CoQ REDUCTASE DEFICIENCY. Identifiers: Orphanet 3208, MedGen C5700310, MONDO:0100294, OMIM 252011.
Pheochromocytoma/paraganglioma syndrome 5. Also called: Paragangliomas 5; SDHA-Related Hereditary Paraganglioma-Pheochromocytoma Syndrome. Identifiers: Orphanet 29072, MedGen C3279992, MONDO:0013602, OMIM 614165.

Submission:

Labcorp Genetics (formerly Invitae), Labcorp
Classification: Uncertain significance for Pheochromocytoma/paraganglioma syndrome 5; Mitochondrial complex II deficiency, nuclear type 1. Last evaluated: 2022-12-16. Review status: criteria provided, single submitter. Criteria: Invitae Variant Classification Sherloc (09022015). Collection method: clinical testing. Allele origin: germline.
Comment: This sequence change replaces glycine, which is neutral and non-polar, with valine, which is neutral and non-polar, at codon 157 of the SDHA protein (p.Gly157Val). This variant is not present in population databases (gnomAD no frequency). This variant has not been reported in the literature in individuals affected with SDHA-related conditions. Algorithms developed to predict the effect of missense changes on protein structure and function (SIFT, PolyPhen-2, Align-GVGD) all suggest that this variant is likely to be disruptive. In summary, the available evidence is currently insufficient to determine the role of this variant in disease. Therefore, it has been classified as a Variant of Uncertain Significance.